The following is an entry in ClinVar:

NM_017534.6(MYH2):c.811C>T (p.Leu271=)

Genes: MYH2 (myosin heavy chain 2; minus strand), MYHAS (myosin heavy chain gene cluster antisense RNA; plus strand), LOC126862501 (CDK7 strongly-dependent group 2 enhancer GRCh37_chr17:10446256-10447455; plus strand). Cytogenetic location: 17p13.1.
Variant type: single nucleotide variant.
Coding change: c.811C>T on transcript NM_017534.6 (MANE Select); coding-DNA position 811, C replaced by T.
Protein change: p.Leu271=; no amino-acid change (leucine 271 retained).
Molecular consequence: synonymous variant.
Genome position (GRCh38, 1-based): chr17:10,542,968, G>A on the plus strand (C>T on the coding strand, the complement: MYH2 is on the minus strand). VCF-style: chr17-10542968-G-A. GRCh37 (hg19) VCF-style: chr17-10446285-G-A.
Other names: c.811C>T, p.Leu271= (NM_001100112.2).
Identifiers: ClinVar variation 704532 (VCV000704532.12), dbSNP rs115487650, ClinGen allele CA8391510.
Genomic context (GRCh38, chr17:10,542,968, plus strand): 5'-GGTAAAAAATATGATAACTTCTCTCAGCCTTAAGCTGGAAAACAACTCTAGACTTCTCTA[G>A]CAGATCTGGAAGGAAACAAATAACACATAAGAAAATTGTAAAAATTCATGTGACATGCGA-3'
Protein context (NP_060004.3, residues 261-281): LASADIETYL[Leu271=]EKSRVVFQLK

ClinVar aggregate classification (germline): Benign/Likely benign. Review status: criteria provided, multiple submitters, no conflicts (2 of 4 stars). 2 submissions from 2 submitters: Benign (1); Likely benign (1). Last evaluated 2026-06-01.

Conditions:
Myopathy, proximal, and ophthalmoplegia (CMYO6). Also called: INCLUSION BODY MYOPATHY 3, AUTOSOMAL DOMINANT; CONGENITAL MYOPATHY 6 WITH OPHTHALMOPLEGIA; MYOPATHY WITH CONGENITAL JOINT CONTRACTURES, OPHTHALMOPLEGIA, AND RIMMED VACUOLES. Identifiers: Orphanet 363677, Orphanet 79091, MedGen C1854106, MONDO:0011577, OMIM 605637.

Allele frequency attached by ClinVar (database versions not stated): ESP Exome Variant Server 0.00069; gnomAD 0.00069 and 0.00068; TOPMed 0.00085; 1000 Genomes Project 0.00160; 1000 Genomes Project 30x 0.00187; gnomAD exomes 0.00019; ExAC 0.00022.
gnomAD v4.1: 208 of 1,610,860 alleles (0.013%); highest among the groups gnomAD compares: African/African-American, 0.24%; no homozygotes.

Submissions (2):

CeGaT Center for Human Genetics Tuebingen
Classification: Likely benign. Last evaluated: 2026-06-01. Review status: criteria provided, single submitter. Criteria: CeGaT Center For Human Genetics Tuebingen Variant Classification Criteria Version 2. Collection method: clinical testing. Allele origin: germline. Affected: yes. Observed: 1 variant allele.
Comment: MYH2: BP4, BP7

Labcorp Genetics (formerly Invitae), Labcorp
Classification: Benign for Myopathy, proximal, and ophthalmoplegia. Last evaluated: 2026-01-27. Review status: criteria provided, single submitter. Criteria: Invitae Variant Classification Sherloc (09022015). Collection method: clinical testing. Allele origin: germline.